The following is an entry in ClinVar:

NM_032237.5(POMK):c.432C>A (p.Asp144Glu)

Gene: POMK (protein O-mannose kinase; plus strand). Cytogenetic location: 8p11.21.
Variant type: single nucleotide variant.
Coding change: c.432C>A on transcript NM_032237.5 (MANE Select); coding-DNA position 432, C replaced by A.
Protein change: p.Asp144Glu; replaces aspartic acid 144 with glutamic acid.
Molecular consequence: missense variant.
Genome position (GRCh38, 1-based): chr8:43,122,256, C>A. VCF-style: chr8-43122256-C-A. GRCh37 (hg19) VCF-style: chr8-42977399-C-A.
Other names: c.432C>A, p.Asp144Glu (NM_001277971.2); short protein forms D144E.
Identifiers: ClinVar variation 1305121 (VCV001305121.2), dbSNP rs2130626555, ClinGen allele CA371121857.

ClinVar aggregate classification (germline): Uncertain significance (1 of 4 stars; one submission).

Submission:

GeneDx
Classification: Uncertain significance. Last evaluated: 2019-11-18. Review status: criteria provided, single submitter. Criteria: GeneDx Variant Classification Process June 2021. Collection method: clinical testing. Allele origin: germline. Affected: yes.
Comment: Not observed in large population cohorts (Lek et al., 2016); In silico analysis, which includes protein predictors and evolutionary conservation, supports that this variant does not alter protein structure/function; Has not been previously published as pathogenic or benign to our knowledge